The following is an entry in ClinVar:

NM_000090.4(COL3A1):c.148T>A (p.Cys50Ser)

Gene: COL3A1 (collagen type III alpha 1 chain; plus strand). Cytogenetic location: 2q32.2.
Variant type: single nucleotide variant.
Coding change: c.148T>A on transcript NM_000090.4 (MANE Select); coding-DNA position 148, T replaced by A.
Protein change: p.Cys50Ser; replaces cysteine 50 with serine.
Molecular consequence: missense variant.
Genome position (GRCh38, 1-based): chr2:188,984,828, T>A. VCF-style: chr2-188984828-T-A. GRCh37 (hg19) VCF-style: chr2-189849554-T-A.
Other names: short protein forms C50S.
Identifiers: ClinVar variation 4888040 (VCV004888040.1).

ClinVar aggregate classification (germline): Uncertain significance (1 of 4 stars; one submission).

Submission:

GeneDx
Classification: Uncertain significance. Last evaluated: 2026-01-21. Review status: criteria provided, single submitter. Criteria: GeneDx Variant Classification Process June 2021. Collection method: clinical testing. Allele origin: germline.
Comment: Not observed at significant frequency in large population cohorts (gnomAD); In silico analysis supports that this missense variant has a deleterious effect on protein structure/function; Not located in the triple helical region, where the majority of pathogenic missense variants occur (HGMD); This variant is associated with the following publications: (PMID: 29738522)